The following is an entry in ClinVar:

ClinVar aggregate classification (germline): Uncertain significance (1 of 4 stars; one submission).

Conditions:
CHARGE syndrome (CHARGE). Also called: Hittner Hirsch Kreh syndrome; Coloboma, heart anomaly, choanal atresia, retardation, genital and ear anomalies; CHARGE association; Hall-Hittner syndrome; CHARGE ASSOCIATION--COLOBOMA, HEART ANOMALY, CHOANAL ATRESIA, RETARDATION, GENITAL AND EAR ANOMALIES. Identifiers: Orphanet 138, MedGen C0265354, MONDO:0008965.

Submission:

Labcorp Genetics (formerly Invitae), Labcorp
Classification: Uncertain significance for CHARGE syndrome. Last evaluated: 2020-10-19. Review status: criteria provided, single submitter. Criteria: Invitae Variant Classification Sherloc (09022015). Collection method: clinical testing. Allele origin: germline.
Comment: In summary, the available evidence is currently insufficient to determine the role of this variant in disease. Therefore, it has been classified as a Variant of Uncertain Significance. Advanced modeling of protein sequence and biophysical properties (such as structural, functional, and spatial information, amino acid conservation, physicochemical variation, residue mobility, and thermodynamic stability) performed at Invitae indicates that this missense variant is not expected to disrupt CHD7 protein function. This variant has not been reported in the literature in individuals with CHD7-related conditions. This variant is not present in population databases (ExAC no frequency). This sequence change replaces serine with asparagine at codon 612 of the CHD7 protein (p.Ser612Asn). The serine residue is highly conserved and there is a small physicochemical difference between serine and asparagine.

NM_017780.4(CHD7):c.1835G>A (p.Ser612Asn)

Genes: CHD7 (chromodomain helicase DNA binding protein 7; plus strand), LOC126860403 (CDK7 strongly-dependent group 2 enhancer GRCh37_chr8:61693034-61694233; plus strand). Cytogenetic location: 8q12.2.
Variant type: single nucleotide variant.
Coding change: c.1835G>A on transcript NM_017780.4 (MANE Select); coding-DNA position 1835, G replaced by A.
Protein change: p.Ser612Asn; replaces serine 612 with asparagine.
Molecular consequence: missense variant. On other transcripts: intron variant (1).
Genome position (GRCh38, 1-based): chr8:60,781,169, G>A. VCF-style: chr8-60781169-G-A. GRCh37 (hg19) VCF-style: chr8-61693728-G-A.
Other names: c.1716+119G>A (NM_001316690.1); short protein forms S612N.
Identifiers: ClinVar variation 1040333 (VCV001040333.9), dbSNP rs1811206668, ClinGen allele CA371312330.